The following is an entry in ClinVar:

ClinVar aggregate classification (germline): Uncertain significance. Review status: criteria provided, multiple submitters, no conflicts (2 of 4 stars). 3 submissions from 3 submitters: Uncertain significance (3). Last evaluated 2025-09-30.

Conditions:
MYO6-related disorder. Also called: MYO6-related condition; MYO6-related disorders.

Allele frequency attached by ClinVar (database versions not stated): gnomAD exomes below 0.00001; TOPMed 0.00001; ESP Exome Variant Server 0.00008.
gnomAD v4.1: 1 of 1,612,440 alleles (0.000062%); highest among the groups gnomAD compares: Non-Finnish European, 0.000085%; no homozygotes.

Submissions (3):

GeneDx
Classification: Uncertain significance. Last evaluated: 2025-09-30. Review status: criteria provided, single submitter. Criteria: GeneDx Variant Classification Process June 2021. Collection method: clinical testing. Allele origin: germline.
Comment: Not observed at significant frequency in large population cohorts (gnomAD); In silico analysis supports that this missense variant has a deleterious effect on protein structure/function; Has not been previously published as pathogenic or benign to our knowledge

PreventionGenetics, part of Exact Sciences
Classification: Uncertain significance for MYO6-related condition. Last evaluated: 2024-10-18. Review status: criteria provided, single submitter. Criteria: ACMG Guidelines, 2015. Collection method: clinical testing. Allele origin: germline.
Comment: The MYO6 c.359T>C variant is predicted to result in the amino acid substitution p.Leu120Pro. To our knowledge, this variant has not been reported in the literature or in a large population database (gnomAD), indicating this variant is rare. At this time, the clinical significance of this variant is uncertain due to the absence of conclusive functional and genetic evidence.

Labcorp Genetics (formerly Invitae), Labcorp
Classification: Uncertain significance. Last evaluated: 2024-02-22. Review status: criteria provided, single submitter. Criteria: Invitae Variant Classification Sherloc (09022015). Collection method: clinical testing. Allele origin: germline.
Comment: This sequence change replaces leucine, which is neutral and non-polar, with proline, which is neutral and non-polar, at codon 120 of the MYO6 protein (p.Leu120Pro). This variant is not present in population databases (gnomAD no frequency). This missense change has been observed in individual(s) with deafness (Invitae). Advanced modeling of protein sequence and biophysical properties (such as structural, functional, and spatial information, amino acid conservation, physicochemical variation, residue mobility, and thermodynamic stability) performed at Invitae indicates that this missense variant is expected to disrupt MYO6 protein function with a positive predictive value of 80%. In summary, the available evidence is currently insufficient to determine the role of this variant in disease. Therefore, it has been classified as a Variant of Uncertain Significance.

NM_004999.4(MYO6):c.359T>C (p.Leu120Pro)

Gene: MYO6 (myosin VI; plus strand). Cytogenetic location: 6q14.1.
Variant type: single nucleotide variant.
Coding change: c.359T>C on transcript NM_004999.4 (MANE Select); coding-DNA position 359, T replaced by C.
Protein change: p.Leu120Pro; replaces leucine 120 with proline.
Molecular consequence: missense variant. On other transcripts: non-coding transcript variant (2).
Genome position (GRCh38, 1-based): chr6:75,830,513, T>C. VCF-style: chr6-75830513-T-C. GRCh37 (hg19) VCF-style: chr6-76540230-T-C.
Other names: c.359T>C (NM_004999.3); c.359T>C, p.Leu120Pro (NM_001300899.2, NM_001368136.1, NM_001368137.1 and 5 more transcripts); short protein forms L120P.
Identifiers: ClinVar variation 3008503 (VCV003008503.6), dbSNP rs141429454, ClinGen allele CA141076171.
Genomic context (GRCh38, chr6:75,830,513, plus strand): 5'-ACTTTGACATACCTAAAATATATTCTTCAGAAGCAATAAAGTCATATCAAGGAAAATCTC[T>C]TGGGACAAGACCACCTCATGTCTTTGCAATTGGTAAGTGATTTTAAATGTATTTTAATTC-3'
Protein context (NP_004990.3, residues 110-130): EAIKSYQGKS[Leu120Pro]GTRPPHVFAI